The following is an entry in ClinVar:

NM_022124.6(CDH23):c.5615A>G (p.His1872Arg)

Gene: CDH23 (cadherin related 23; plus strand). Cytogenetic location: 10q22.1.
Variant type: single nucleotide variant.
Coding change: c.5615A>G on transcript NM_022124.6 (MANE Select); coding-DNA position 5615, A replaced by G.
Protein change: p.His1872Arg; replaces histidine 1872 with arginine.
Molecular consequence: missense variant.
Genome position (GRCh38, 1-based): chr10:71,785,003, A>G. VCF-style: chr10-71785003-A-G. GRCh37 (hg19) VCF-style: chr10-73544760-A-G.
Other names: short protein forms H1872R.
Identifiers: ClinVar variation 2149310 (VCV002149310.1), dbSNP rs765660956, ClinGen allele CA5545817.
Genomic context (GRCh38, chr10:71,785,003, plus strand): 5'-TGAACCTGCCCATGAACATCACCATCAGCGAGAACAGCCCTGTCTCCAGCTTTGTCGCCC[A>G]TGTCCTGGCCAGTGACGCTGACAGTGGCTGCAATGCACGCCTCACCTTCAACATCACTGC-3'
Protein context (NP_071407.4, residues 1862-1882): ENSPVSSFVA[His1872Arg]VLASDADSGC

ClinVar aggregate classification (germline): Uncertain significance (1 of 4 stars; one submission).

Allele frequency attached by ClinVar (database versions not stated): TOPMed below 0.00001; ExAC 0.00003; gnomAD exomes 0.00003.
gnomAD v4.1: 47 of 1,614,052 alleles (0.0029%); highest among the groups gnomAD compares: Non-Finnish European, 0.0039%; no homozygotes.

Submission:

Labcorp Genetics (formerly Invitae), Labcorp
Classification: Uncertain significance. Last evaluated: 2022-08-07. Review status: criteria provided, single submitter. Criteria: Invitae Variant Classification Sherloc (09022015). Collection method: clinical testing. Allele origin: germline.
Comment: This sequence change replaces histidine, which is basic and polar, with arginine, which is basic and polar, at codon 1872 of the CDH23 protein (p.His1872Arg). This variant is present in population databases (rs765660956, gnomAD 0.004%). This variant has not been reported in the literature in individuals affected with CDH23-related conditions. Algorithms developed to predict the effect of missense changes on protein structure and function output the following: SIFT: "Tolerated"; PolyPhen-2: "Not Available"; Align-GVGD: "Class C0". The arginine amino acid residue is found in multiple mammalian species, which suggests that this missense change does not adversely affect protein function. In summary, the available evidence is currently insufficient to determine the role of this variant in disease. Therefore, it has been classified as a Variant of Uncertain Significance.